The following is an entry in ClinVar:

ClinVar aggregate classification (germline): Uncertain significance (1 of 4 stars; one submission).

Conditions:
Infantile myofibromatosis (IMF). Also called: Congenital generalized fibromatosis. Identifiers: Orphanet 2591, MedGen C0432284, MONDO:0016824.
Skeletal overgrowth-craniofacial dysmorphism-hyperelastic skin-white matter lesions syndrome. Also called: SKELETAL OVERGROWTH WITH FACIAL DYSMORPHISM, HYPERELASTIC SKIN, WHITE MATTER LESIONS, AND NEUROLOGIC DETERIORATION; Kosaki overgrowth syndrome. Identifiers: Orphanet 477831, MedGen C4225270, MONDO:0014704, OMIM 616592.
Basal ganglia calcification, idiopathic, 4 (PFBC4). Also called: Familial Idiopathic Basal Ganglia Calcification 4; PRIMARY FAMILIAL BRAIN CALCIFICATION 4, AUTOSOMAL DOMINANT. Identifiers: Orphanet 1980, MedGen C3554321, MONDO:0014004, OMIM 615007.
Acroosteolysis-keloid-like lesions-premature aging syndrome. Also called: Premature aging syndrome, Penttinen type; Prematurely aged appearance, delayed bone maturation, acro-osteolysis, and brachydactyly; Progeroid syndrome, Penttinen type. Identifiers: Orphanet 363665, MedGen C1866182, MONDO:0011150, OMIM 601812.

Allele frequency attached by ClinVar (database versions not stated): gnomAD exomes below 0.00001; TOPMed below 0.00001.
gnomAD v4.1: 4 of 1,609,154 alleles (0.00025%); highest among the groups gnomAD compares: South Asian, 0.0011%; no homozygotes.

Submission:

Labcorp Genetics (formerly Invitae), Labcorp
Classification: Uncertain significance for Basal ganglia calcification, idiopathic, 4; Skeletal overgrowth-craniofacial dysmorphism-hyperelastic skin-white matter lesions syndrome; Infantile myofibromatosis; Acroosteolysis-keloid-like lesions-premature aging syndrome. Last evaluated: 2022-06-23. Review status: criteria provided, single submitter. Criteria: Invitae Variant Classification Sherloc (09022015). Collection method: clinical testing. Allele origin: germline.
Comment: In summary, the available evidence is currently insufficient to determine the role of this variant in disease. Therefore, it has been classified as a Variant of Uncertain Significance. Advanced modeling of protein sequence and biophysical properties (such as structural, functional, and spatial information, amino acid conservation, physicochemical variation, residue mobility, and thermodynamic stability) performed at Invitae indicates that this missense variant is expected to disrupt PDGFRB protein function. This variant has not been reported in the literature in individuals affected with PDGFRB-related conditions. This variant is present in population databases (no rsID available, gnomAD 0.003%). This sequence change replaces proline, which is neutral and non-polar, with leucine, which is neutral and non-polar, at codon 905 of the PDGFRB protein (p.Pro905Leu).

NM_002609.4(PDGFRB):c.2714C>T (p.Pro905Leu)

Gene: PDGFRB (platelet derived growth factor receptor beta; minus strand). Cytogenetic location: 5q32.
Variant type: single nucleotide variant.
Coding change: c.2714C>T on transcript NM_002609.4 (MANE Select); coding-DNA position 2714, C replaced by T.
Protein change: p.Pro905Leu; replaces proline 905 with leucine.
Molecular consequence: missense variant.
Genome position (GRCh38, 1-based): chr5:150,119,551, G>A on the plus strand (C>T on the coding strand, the complement: PDGFRB is on the minus strand). VCF-style: chr5-150119551-G-A. GRCh37 (hg19) VCF-style: chr5-149499114-G-A.
Other names: c.2522C>T, p.Pro841Leu (NM_001355016.2); c.2231C>T, p.Pro744Leu (NM_001355017.2); short protein forms P744L, P841L, P905L.
Identifiers: ClinVar variation 2423512 (VCV002423512.8), dbSNP rs1456958325, ClinGen allele CA361757884.